The following is an entry in ClinVar:

ClinVar aggregate classification (germline): Uncertain significance (1 of 4 stars; one submission).

Allele frequency attached by ClinVar (database versions not stated): gnomAD exomes below 0.00001; TOPMed below 0.00001.
gnomAD v4.1: 1 of 1,613,782 alleles (0.000062%); highest among the groups gnomAD compares: African/African-American, 0.0013%; no homozygotes.

Submission:

Ambry Genetics
Classification: Uncertain significance. Last evaluated: 2021-10-07. Review status: criteria provided, single submitter. Criteria: Ambry Variant Classification Scheme 2023. Collection method: clinical testing. Allele origin: germline.
Comment: The p.M472I variant (also known as c.1416G>A), located in coding exon 13 of the BUB1 gene, results from a G to A substitution at nucleotide position 1416. The methionine at codon 472 is replaced by isoleucine, an amino acid with highly similar properties. This amino acid position is conserved. In addition, the in silico prediction for this alteration is inconclusive. Since supporting evidence is limited at this time, the clinical significance of this alteration remains unclear.

NM_004336.5(BUB1):c.1416G>A (p.Met472Ile)

Gene: BUB1 (BUB1 mitotic checkpoint serine/threonine kinase; minus strand). Cytogenetic location: 2q13.
Variant type: single nucleotide variant.
Coding change: c.1416G>A on transcript NM_004336.5 (MANE Select); coding-DNA position 1416, G replaced by A.
Protein change: p.Met472Ile; replaces methionine 472 with isoleucine.
Molecular consequence: missense variant.
Genome position (GRCh38, 1-based): chr2:110,658,510, C>T on the plus strand (G>A on the coding strand, the complement: BUB1 is on the minus strand). VCF-style: chr2-110658510-C-T. GRCh37 (hg19) VCF-style: chr2-111416087-C-T.
Other names: c.1356G>A, p.Met452Ile (NM_001278616.2); c.1416G>A, p.Met472Ile (NM_001278617.2); short protein forms M452I, M472I.
Identifiers: ClinVar variation 1772140 (VCV001772140.2), dbSNP rs1689993023, ClinGen allele CA348212464.